The following is an entry in ClinVar:

NM_006277.3(ITSN2):c.4661G>A (p.Arg1554His)

Gene: ITSN2 (intersectin 2; minus strand). Cytogenetic location: 2p23.3.
Variant type: single nucleotide variant.
Coding change: c.4661G>A on transcript NM_006277.3 (MANE Select); coding-DNA position 4661, G replaced by A.
Protein change: p.Arg1554His; replaces arginine 1554 with histidine.
Molecular consequence: missense variant.
Genome position (GRCh38, 1-based): chr2:24,208,254, C>T on the plus strand (G>A on the coding strand, the complement: ITSN2 is on the minus strand). VCF-style: chr2-24208254-C-T. GRCh37 (hg19) VCF-style: chr2-24431123-C-T.
Other names: c.4661G>A (NM_006277.2); c.4619G>A, p.Arg1540His (NM_001348181.2); c.4541G>A, p.Arg1514His (NM_001348182.2); c.4580G>A, p.Arg1527His (NM_019595.4); short protein forms R1514H, R1527H, R1540H, R1554H.
Identifiers: ClinVar variation 1176087 (VCV001176087.37), dbSNP rs138517130, ClinGen allele CA1550492.
Genomic context (GRCh38, chr2:24,208,254, plus strand): 5'-GGGCCCCTGGGGGCTGCGTCCCACCCTCCGGGCACCCTGATACCTTGGTAAGCTTTCTCA[C>T]GCTTCTTCTTCTCGGTGTCGATGTACTGCTCAGACGCCGCCTTGATCTTCTGCACCCAGG-3'
Protein context (NP_006268.2, residues 1544-1564): EQYIDTEKKK[Arg1554His]EKAYQARSQK

ClinVar aggregate classification (germline): Likely benign. Review status: criteria provided, multiple submitters, no conflicts (2 of 4 stars). 3 submissions from 3 submitters: Likely benign (2). 1 of the submissions does not count toward it. Last evaluated 2021-04-01.

Conditions:
ITSN2-related disorder. Also called: ITSN2-related condition.

Allele frequency attached by ClinVar (database versions not stated): 1000 Genomes Project 30x 0.00047; 1000 Genomes Project 0.00060; ESP Exome Variant Server 0.00100; TOPMed 0.00131; gnomAD exomes 0.00193 and 0.00227; ExAC 0.00204; gnomAD 0.00250 and 0.00261.
gnomAD v4.1: 3,218 of 1,612,586 alleles (0.2%); highest among the groups gnomAD compares: Middle Eastern, 1.5%; 17 homozygotes.

Submissions (3):

CeGaT Center for Human Genetics Tuebingen
Classification: Likely benign. Last evaluated: 2021-04-01. Review status: criteria provided, single submitter. Criteria: CeGaT Center For Human Genetics Tuebingen Variant Classification Criteria Version 2. Collection method: clinical testing. Allele origin: germline. Affected: yes. Observed: 1 variant allele.

Breakthrough Genomics
Classification: Likely benign. Review status: criteria provided, single submitter. Criteria: ACMG Guidelines, 2015. Collection method: not provided. Allele origin: germline. Inheritance: Unknown mechanism. Affected: yes.

PreventionGenetics, part of Exact Sciences
Classification: Likely benign for ITSN2-related condition. Last evaluated: 2019-09-16. Review status: no assertion criteria provided. Collection method: clinical testing. Allele origin: germline. Not counted in ClinVar's aggregate classification.
Comment: This variant is classified as likely benign based on ACMG/AMP sequence variant interpretation guidelines (Richards et al. 2015 PMID: 25741868, with internal and published modifications).